The following is an entry in ClinVar:

NM_006348.3(COG5):c.-7T>C

Genes: DUS4L-BCAP29 (DUS4L-BCAP29 readthrough; plus strand), COG5 (component of oligomeric golgi complex 5; minus strand), DUS4L (dihydrouridine synthase 4 like; plus strand). Cytogenetic location: 7q22.3.
Variant type: single nucleotide variant.
Coding change: c.-7T>C on transcript NM_006348.3; 7 bases upstream of the start codon, T replaced by C.
Molecular consequence: 5 prime UTR variant (on NM_181581.3). On other transcripts: non-coding transcript variant (7).
Genome position (GRCh38, 1-based): chr7:107,563,996, A>G on the plus strand (T>C on the coding strand, the complement: COG5 is on the minus strand). VCF-style: chr7-107563996-A-G. GRCh37 (hg19) VCF-style: chr7-107204441-A-G.
Other names: c.-174A>G (NM_001270419.2); c.-324A>G (NM_181581.3, NM_001371364.2, NM_001371366.2); c.-362A>G (NM_001371365.2); c.-235A>G (NM_001371367.2).
Identifiers: ClinVar variation 3048548 (VCV003048548.2), dbSNP rs536210903, ClinGen allele CA4431627.

ClinVar aggregate classification (germline): Likely benign (0 of 4 stars; one submission).

Conditions:
COG5-related disorder. Also called: COG5-related condition.

Allele frequency attached by ClinVar (database versions not stated): TOPMed below 0.00001; 1000 Genomes Project 0.00020; ExAC 0.00035; gnomAD 0.00004.
gnomAD v4.1: 80 of 1,248,322 alleles (0.0064%); highest among the groups gnomAD compares: South Asian, 0.097%; no homozygotes.

Submission:

PreventionGenetics, part of Exact Sciences
Classification: Likely benign for COG5-related condition. Last evaluated: 2019-12-06. Review status: no assertion criteria provided. Collection method: clinical testing. Allele origin: germline.
Comment: This variant is classified as likely benign based on ACMG/AMP sequence variant interpretation guidelines (Richards et al. 2015 PMID: 25741868, with internal and published modifications).